The following is an entry in ClinVar:

ClinVar aggregate classification (germline): Uncertain significance (1 of 4 stars; one submission).

Conditions:
Primary ciliary dyskinesia 6. Also called: Primary Ciliary Dyskinesia 6: TXNDC3-Related Primary Ciliary Dyskinesia. Identifiers: Orphanet 244, MedGen C1970506, MONDO:0012571, OMIM 610852.

Submission:

Labcorp Genetics (formerly Invitae), Labcorp
Classification: Uncertain significance for Primary ciliary dyskinesia 6. Last evaluated: 2025-03-11. Review status: criteria provided, single submitter. Criteria: Invitae Variant Classification Sherloc (09022015). Collection method: clinical testing. Allele origin: germline.
Comment: This sequence change replaces lysine, which is basic and polar, with asparagine, which is neutral and polar, at codon 109 of the NME8 protein (p.Lys109Asn). This variant is not present in population databases (gnomAD no frequency). This variant has not been reported in the literature in individuals affected with NME8-related conditions. ClinVar contains an entry for this variant (Variation ID: 2715442). Invitae Evidence Modeling of protein sequence and biophysical properties (such as structural, functional, and spatial information, amino acid conservation, physicochemical variation, residue mobility, and thermodynamic stability) indicates that this missense variant is not expected to disrupt NME8 protein function with a negative predictive value of 80%. In summary, the available evidence is currently insufficient to determine the role of this variant in disease. Therefore, it has been classified as a Variant of Uncertain Significance.

NM_016616.5(NME8):c.327A>T (p.Lys109Asn)

Gene: NME8 (NME/NM23 family member 8; plus strand). Cytogenetic location: 7p14.1.
Variant type: single nucleotide variant.
Coding change: c.327A>T on transcript NM_016616.5 (MANE Select); coding-DNA position 327, A replaced by T.
Protein change: p.Lys109Asn; replaces lysine 109 with asparagine.
Molecular consequence: missense variant.
Genome position (GRCh38, 1-based): chr7:37,862,084, A>T. VCF-style: chr7-37862084-A-T. GRCh37 (hg19) VCF-style: chr7-37901686-A-T.
Other names: short protein forms K109N.
Identifiers: ClinVar variation 2715442 (VCV002715442.3), dbSNP rs768937346, ClinGen allele CA367221239.